The following is an entry in ClinVar:

NM_016148.5(SHANK1):c.2339dup (p.Thr781fs)

Gene: SHANK1 (SH3 and multiple ankyrin repeat domains 1; minus strand). Cytogenetic location: 19q13.33.
Variant type: Duplication.
Coding change: c.2339dup on transcript NM_016148.5 (MANE Select); coding-DNA position 2339, one base duplicated (C; older notation c.2339dupC).
Protein change: p.Thr781fs; shifts the reading frame from threonine 781.
Molecular consequence: frameshift variant.
Genome position (GRCh38, 1-based): chr19:50,687,632, G duplicated on the plus strand (C on the coding strand, the reverse complement: SHANK1 is on the minus strand); the first of 5 consecutive G bases (chr19:50,687,632-50,687,636); duplicating any one gives the same sequence. VCF-style (leftmost placement, unchanged base first): chr19-50687631-T-TG. GRCh37 (hg19) VCF-style: chr19-51190888-T-TG.
Other names: short protein forms T781fs.
Identifiers: ClinVar variation 5016732 (VCV005016732.1).

ClinVar aggregate classification (germline): Likely pathogenic (1 of 4 stars; one submission).

Submission:

GeneDx
Classification: Likely pathogenic. Last evaluated: 2026-03-24. Review status: criteria provided, single submitter. Criteria: GeneDx Variant Classification Process June 2021. Collection method: clinical testing. Allele origin: germline.
Comment: Frameshift variant predicted to result in protein truncation or nonsense mediated decay in a gene for which loss of function is a known mechanism of disease; Not observed at significant frequency in large population cohorts (gnomAD); Has not been previously published as pathogenic or benign to our knowledge